The following is an entry in ClinVar:

ClinVar aggregate classification (germline): Uncertain significance (1 of 4 stars; one submission).

Submission:

GeneDx
Classification: Uncertain significance. Last evaluated: 2026-02-27. Review status: criteria provided, single submitter. Criteria: GeneDx Variant Classification Process June 2021. Collection method: clinical testing. Allele origin: germline.
Comment: Not observed at significant frequency in large population cohorts (gnomAD); In silico analysis suggests that this missense variant does not alter protein structure/function; Has not been previously published as pathogenic or benign to our knowledge

NM_012154.5(AGO2):c.1555G>A (p.Val519Met)

Gene: AGO2 (argonaute RISC catalytic component 2; minus strand). Cytogenetic location: 8q24.3.
Variant type: single nucleotide variant.
Coding change: c.1555G>A on transcript NM_012154.5 (MANE Select); coding-DNA position 1555, G replaced by A.
Protein change: p.Val519Met; replaces valine 519 with methionine.
Molecular consequence: missense variant.
Genome position (GRCh38, 1-based): chr8:140,549,147, C>T on the plus strand (G>A on the coding strand, the complement: AGO2 is on the minus strand). VCF-style: chr8-140549147-C-T. GRCh37 (hg19) VCF-style: chr8-141559246-C-T.
Other names: c.1555G>A, p.Val519Met (NM_001164623.3); short protein forms V519M.
Identifiers: ClinVar variation 5008190 (VCV005008190.1).